The following is an entry in ClinVar:

NM_000245.4(MET):c.1378G>A (p.Gly460Ser)

Gene: MET (MET proto-oncogene, receptor tyrosine kinase; plus strand). Cytogenetic location: 7q31.2.
Variant type: single nucleotide variant.
Coding change: c.1378G>A on transcript NM_000245.4 (MANE Select); coding-DNA position 1378, G replaced by A.
Protein change: p.Gly460Ser; replaces glycine 460 with serine.
Molecular consequence: missense variant.
Genome position (GRCh38, 1-based): chr7:116,731,845, G>A. VCF-style: chr7-116731845-G-A. GRCh37 (hg19) VCF-style: chr7-116371899-G-A.
Other names: c.1378G>A, p.Gly460Ser (NM_001127500.3, NM_001324401.3); c.88G>A, p.Gly30Ser (NM_001324402.2); short protein forms G460S, G30S.
Identifiers: ClinVar variation 2158058 (VCV002158058.4), dbSNP rs1584914352, ClinGen allele CA368973113.

ClinVar aggregate classification (germline): Uncertain significance (1 of 4 stars; one submission).

Conditions:
Renal cell carcinoma. Identifiers: Orphanet 217071, MedGen C0007134, MeSH D002292, MONDO:0005086, HP:0005584.

Allele frequency attached by ClinVar (database versions not stated): gnomAD exomes below 0.00001.
gnomAD v4.1: 3 of 1,613,990 alleles (0.00019%); highest among the groups gnomAD compares: East Asian, 0.0022%; no homozygotes.

Submission:

Labcorp Genetics (formerly Invitae), Labcorp
Classification: Uncertain significance for Renal cell carcinoma. Last evaluated: 2025-03-31. Review status: criteria provided, single submitter. Criteria: Invitae Variant Classification Sherloc (09022015). Collection method: clinical testing. Allele origin: germline.
Comment: This sequence change replaces glycine, which is neutral and non-polar, with serine, which is neutral and polar, at codon 460 of the MET protein (p.Gly460Ser). This variant is not present in population databases (gnomAD no frequency). This variant has not been reported in the literature in individuals affected with MET-related conditions. ClinVar contains an entry for this variant (Variation ID: 2158058). Invitae Evidence Modeling of protein sequence and biophysical properties (such as structural, functional, and spatial information, amino acid conservation, physicochemical variation, residue mobility, and thermodynamic stability) indicates that this missense variant is expected to disrupt MET protein function with a positive predictive value of 80%. In summary, the available evidence is currently insufficient to determine the role of this variant in disease. Therefore, it has been classified as a Variant of Uncertain Significance.